The following is an entry in ClinVar:

NM_024422.6(DSC2):c.1632A>G (p.Ile544Met)

Gene: DSC2 (desmocollin 2; minus strand). Cytogenetic location: 18q12.1.
Variant type: single nucleotide variant.
Coding change: c.1632A>G on transcript NM_024422.6 (MANE Select); coding-DNA position 1632, A replaced by G.
Protein change: p.Ile544Met; replaces isoleucine 544 with methionine.
Molecular consequence: missense variant.
Genome position (GRCh38, 1-based): chr18:31,079,878, T>C on the plus strand (A>G on the coding strand, the complement: DSC2 is on the minus strand). VCF-style: chr18-31079878-T-C. GRCh37 (hg19) VCF-style: chr18-28659844-T-C.
Other names: c.1203A>G, p.Ile401Met (NM_001406506.1, NM_001406507.1); c.1632A>G, p.Ile544Met (NM_004949.5); short protein forms I401M, I544M.
Identifiers: ClinVar variation 4014898 (VCV004014898.1).

ClinVar aggregate classification (germline): Uncertain significance (1 of 4 stars; one submission).

Conditions:
Cardiovascular phenotype. Identifiers: MedGen CN230736.

Submission:

Ambry Genetics
Classification: Uncertain significance for Cardiovascular phenotype. Last evaluated: 2025-03-18. Review status: criteria provided, single submitter. Criteria: Ambry Variant Classification Scheme 2023. Collection method: clinical testing. Allele origin: germline.
Comment: The p.I544M variant (also known as c.1632A>G), located in coding exon 11 of the DSC2 gene, results from an A to G substitution at nucleotide position 1632. The isoleucine at codon 544 is replaced by methionine, an amino acid with highly similar properties. This amino acid position is conserved. In addition, this alteration is predicted to be tolerated by in silico analysis. Based on the available evidence, the clinical significance of this variant remains unclear.